The following is an entry in ClinVar:

ClinVar aggregate classification (germline): Uncertain significance. Review status: criteria provided, multiple submitters, no conflicts (2 of 4 stars). 2 submissions from 2 submitters: Uncertain significance (2). Last evaluated 2024-09-03.

Conditions:
Cardiovascular phenotype. Identifiers: MedGen CN230736.

Allele frequency attached by ClinVar (database versions not stated): TOPMed 0.00003; gnomAD 0.00004 and 0.00003; ESP Exome Variant Server 0.00008; ExAC 0.00001; gnomAD exomes 0.00002.
gnomAD v4.1: 35 of 1,613,850 alleles (0.0022%); highest among the groups gnomAD compares: African/African-American, 0.0053%; no homozygotes.

Submissions (2):

GeneDx
Classification: Uncertain significance. Last evaluated: 2024-09-03. Review status: criteria provided, single submitter. Criteria: GeneDx Variant Classification Process June 2021. Collection method: clinical testing. Allele origin: germline. Affected: yes.
Comment: Not observed at significant frequency in large population cohorts (gnomAD); Missense variant in a gene in which most reported pathogenic variants are truncating/loss of function; Has not been previously published as pathogenic or benign to our knowledge

Ambry Genetics
Classification: Uncertain significance for Cardiovascular phenotype. Last evaluated: 2013-10-30. Review status: criteria provided, single submitter. Criteria: Ambry Autosomal Dominant and X-Linked criteria (10/2015). Collection method: clinical testing. Allele origin: germline. Observed: 1 variant allele.
Comment: The p.T474I variant (also known as c.1421C>T) is located in coding exon 8 of the TTNgene. This alteration results from a C to T substitution at nucleotide position 1421. The threonine at codon 474 is replaced by isoleucine, an amino acid with some similar properties. This variant was not reported in population-based cohorts in theDatabase of Single Nucleotide Polymorphisms (dbSNP) or the1000 Genomes Project. Based on data from the NHLBI Exome Sequencing Project (ESP), the T-allele has an overall frequency of approximately 0.01% (1/13006), having been observed in 0.01% (1/8600) of European American alleles, and not observed in 4406 African American alleles studied.Based on protein sequence alignment, this amino acid position is not well conserved in available vertebrate species.In addition, this alteration is predicted to be benign by PolyPhen in silico analysis. Since supporting evidence is limited at this time, the clinical significance of this variant remains unclear.

NM_001267550.2(TTN):c.1421C>T (p.Thr474Ile)

Gene: TTN (titin; minus strand). Cytogenetic location: 2q31.2.
Variant type: single nucleotide variant.
Coding change: c.1421C>T on transcript NM_001267550.2 (MANE Select); coding-DNA position 1421, C replaced by T.
Protein change: p.Thr474Ile; replaces threonine 474 with isoleucine.
Molecular consequence: missense variant.
Genome position (GRCh38, 1-based): chr2:178,793,519, G>A on the plus strand (C>T on the coding strand, the complement: TTN is on the minus strand). VCF-style: chr2-178793519-G-A. GRCh37 (hg19) VCF-style: chr2-179658246-G-A.
Other names: c.1421C>T, p.Thr474Ile (NM_133378.4, NM_001256850.1, NM_003319.4 and 3 more transcripts); c.1421C>T (NM_001267550.1); short protein forms T474I.
Identifiers: ClinVar variation 263780 (VCV000263780.6), dbSNP rs370824987, ClinGen allele CA2006045.